The following is an entry in ClinVar:

NM_000182.5(HADHA):c.930_931del (p.Gly311fs)

Gene: HADHA (hydroxyacyl-CoA dehydrogenase trifunctional multienzyme complex subunit alpha; minus strand). Cytogenetic location: 2p23.3.
Variant type: Deletion.
Coding change: c.930_931del on transcript NM_000182.5 (MANE Select); coding-DNA positions 930 to 931, 2 bases deleted (TG; older notation c.930_931delTG).
Protein change: p.Gly311fs; shifts the reading frame from glycine 311.
Molecular consequence: frameshift variant.
Genome position (GRCh38, 1-based): chr2:26,212,614-26,212,615, CA deleted on the plus strand (TG on the coding strand, the reverse complement: HADHA is on the minus strand). VCF-style (leftmost placement, unchanged base first): chr2-26212613-CCA-C. GRCh37 (hg19) VCF-style: chr2-26435482-CCA-C.
Other names: short protein forms G311fs.
Identifiers: ClinVar variation 2950320 (VCV002950320.3), dbSNP rs2465557045, ClinGen allele CA2740092783.

ClinVar aggregate classification (germline): Pathogenic (1 of 4 stars; one submission).

Conditions:
Mitochondrial trifunctional protein deficiency. Identifiers: Orphanet 746, MedGen C1969443, MONDO:0012172.
Long chain 3-hydroxyacyl-CoA dehydrogenase deficiency. Also called: Deficiency of long-chain 3-hydroxyacyl-coenzyme A dehydrogenase; LCHAD Deficiency. Identifiers: Orphanet 5, MedGen C3711645, MONDO:0012173, OMIM 609016.

Submission:

Labcorp Genetics (formerly Invitae), Labcorp
Classification: Pathogenic for Mitochondrial trifunctional protein deficiency; Long chain 3-hydroxyacyl-CoA dehydrogenase deficiency. Last evaluated: 2023-12-10. Review status: criteria provided, single submitter. Criteria: Invitae Variant Classification Sherloc (09022015). Collection method: clinical testing. Allele origin: germline.
Comment: This sequence change creates a premature translational stop signal (p.Gly311Asnfs*2) in the HADHA gene. It is expected to result in an absent or disrupted protein product. Loss-of-function variants in HADHA are known to be pathogenic (PMID: 7738175, 21103935, 21549624, 22459206). This variant is not present in population databases (gnomAD no frequency). This variant has not been reported in the literature in individuals affected with HADHA-related conditions. For these reasons, this variant has been classified as Pathogenic.

Literature cited by the submitters: PubMed 7738175; PubMed 21103935; PubMed 21549624; PubMed 22459206.